The following is an entry in ClinVar:

ClinVar aggregate classification (germline): Likely benign (1 of 4 stars; one submission).

Allele frequency attached by ClinVar (database versions not stated): gnomAD 0.00515 and 0.00832; TOPMed 0.00580; gnomAD exomes 0.01502; 1000 Genomes Project 30x 0.03623; 1000 Genomes Project 0.03934.
gnomAD v4.1: 9,616 of 717,656 alleles (1.3%); highest among the groups gnomAD compares: East Asian, 14%; 516 homozygotes.

Submission:

GeneDx
Classification: Likely benign. Last evaluated: 2018-06-16. Review status: criteria provided, single submitter. Criteria: GeneDx Variant Classification (06012015). Collection method: clinical testing. Allele origin: germline. Affected: yes.
Comment: This variant is considered likely benign or benign based on one or more of the following criteria: it is a conservative change, it occurs at a poorly conserved position in the protein, it is predicted to be benign by multiple in silico algorithms, and/or has population frequency not consistent with disease.

NM_018127.7(ELAC2):c.1423+152T>C

Gene: ELAC2 (elaC ribonuclease Z 2; minus strand). Cytogenetic location: 17p12.
Variant type: single nucleotide variant.
Coding change: c.1423+152T>C on transcript NM_018127.7 (MANE Select); 152 bases into the intron after coding-DNA position 1423, T replaced by C.
Molecular consequence: intron variant.
Genome position (GRCh38, 1-based): chr17:13,000,004, A>G on the plus strand (T>C on the coding strand, the complement: ELAC2 is on the minus strand). VCF-style: chr17-13000004-A-G. GRCh37 (hg19) VCF-style: chr17-12903321-A-G.
Other names: c.1303+152T>C (NM_001165962.2); c.1420+152T>C (NM_173717.2).
Identifiers: ClinVar variation 678591 (VCV000678591.1), dbSNP rs118141505, ClinGen allele CA288081551.
Genomic context (GRCh38, chr17:13,000,004, plus strand): 5'-ACCGCGCCCAGCCAGGAATTGGGATTCTTAAACTCCCCAAAGCCCCCTCCTCCAATGACT[A>G]TAATTCTAATGTAGAGCTGAGTAGAGAAGCCCTGGATTAGACTGAAAAGCCAGGTTAGAA-3'